The following is an entry in ClinVar:

ClinVar aggregate classification (germline): Likely benign (0 of 4 stars; one submission).

Conditions:
MPO-related disorder. Also called: MPO-related condition.

Allele frequency attached by ClinVar (database versions not stated): ESP Exome Variant Server 0.00008; gnomAD 0.00008; ExAC 0.00012; TOPMed 0.00012.

Submission:

PreventionGenetics, part of Exact Sciences
Classification: Likely benign for MPO-related condition. Last evaluated: 2023-03-13. Review status: no assertion criteria provided. Collection method: clinical testing. Allele origin: germline.
Comment: This variant is classified as likely benign based on ACMG/AMP sequence variant interpretation guidelines (Richards et al. 2015 PMID: 25741868, with internal and published modifications).

NM_000250.2(MPO):c.47G>A (p.Gly16Glu)

Genes: MPO (myeloperoxidase; minus strand), LOC106694315 (MPO proximal enhancer and promoter region; plus strand). Cytogenetic location: 17q22.
Variant type: single nucleotide variant.
Coding change: c.47G>A on transcript NM_000250.2 (MANE Select); coding-DNA position 47, G replaced by A.
Protein change: p.Gly16Glu; replaces glycine 16 with glutamic acid.
Molecular consequence: missense variant.
Genome position (GRCh38, 1-based): chr17:58,280,712, C>T on the plus strand (G>A on the coding strand, the complement: MPO is on the minus strand). VCF-style: chr17-58280712-C-T. GRCh37 (hg19) VCF-style: chr17-56358073-C-T.
Other names: short protein forms G16E.
Identifiers: ClinVar variation 3047393 (VCV003047393.2), dbSNP rs140215981, ClinGen allele CA8671107.